The following is an entry in ClinVar:

ClinVar aggregate classification (germline): Benign. Review status: criteria provided, multiple submitters, no conflicts (2 of 4 stars). 3 submissions from 3 submitters: Benign (3). Last evaluated 2026-01-25.

Allele frequency attached by ClinVar (database versions not stated): gnomAD exomes 0.00077 and 0.00212; ExAC 0.00301; 1000 Genomes Project 0.00759; 1000 Genomes Project 30x 0.00796; gnomAD 0.00804 and 0.00866; ESP Exome Variant Server 0.00861; TOPMed 0.00925.
gnomAD v4.1: 2,411 of 1,613,042 alleles (0.15%); highest among the groups gnomAD compares: African/African-American, 2.8%; 31 homozygotes.

Submissions (3):

Labcorp Genetics (formerly Invitae), Labcorp
Classification: Benign. Last evaluated: 2026-01-25. Review status: criteria provided, single submitter. Criteria: Invitae Variant Classification Sherloc (09022015). Collection method: clinical testing. Allele origin: germline.

Mayo Clinic Laboratories, Mayo Clinic
Classification: Benign. Last evaluated: 2023-06-30. Review status: criteria provided, single submitter. Criteria: ACMG Guidelines, 2015. Collection method: clinical testing. Allele origin: germline. Observed: 6 variant alleles.
Comment: BS1, BS2, BP4_strong

Breakthrough Genomics
Classification: Benign. Review status: criteria provided, single submitter. Criteria: ACMG Guidelines, 2015. Collection method: not provided. Allele origin: germline. Inheritance: Autosomal dominant inheritance. Affected: yes.

NM_001256071.3(RNF213):c.11192A>G (p.Asp3731Gly)

Genes: RNF213 (ring finger protein 213; plus strand), RNF213-AS1 (RNF213 antisense RNA 1; minus strand). Cytogenetic location: 17q25.3.
Variant type: single nucleotide variant.
Coding change: c.11192A>G on transcript NM_001256071.3 (MANE Select); coding-DNA position 11192, A replaced by G.
Protein change: p.Asp3731Gly; replaces aspartic acid 3731 with glycine.
Molecular consequence: missense variant.
Genome position (GRCh38, 1-based): chr17:80,360,198, A>G. VCF-style: chr17-80360198-A-G. GRCh37 (hg19) VCF-style: chr17-78333998-A-G.
Other names: p.Asp3731Gly; short protein forms D3731G.
Identifiers: ClinVar variation 720543 (VCV000720543.12), dbSNP rs115808000, ClinGen allele CA8821717.